The following is an entry in ClinVar:

ClinVar aggregate classification (germline): Uncertain significance (1 of 4 stars; one submission).

Conditions:
Tuberous sclerosis 1 (TSC1). Identifiers: Orphanet 805, MedGen C1854465, MONDO:0008612, OMIM 191100.

Submission:

Labcorp Genetics (formerly Invitae), Labcorp
Classification: Uncertain significance for Tuberous sclerosis 1. Last evaluated: 2019-05-20. Review status: criteria provided, single submitter. Criteria: Invitae Variant Classification Sherloc (09022015). Collection method: clinical testing. Allele origin: germline.
Comment: In summary, the available evidence is currently insufficient to determine the role of this variant in disease. Therefore, it has been classified as a Variant of Uncertain Significance. Algorithms developed to predict the effect of missense changes on protein structure and function are either unavailable or do not agree on the potential impact of this missense change (SIFT: "Tolerated"; PolyPhen-2: "Probably Damaging"; Align-GVGD: "Class C0"). This variant has not been reported in the literature in individuals with TSC1-related conditions. This variant is not present in population databases (ExAC no frequency). This sequence change replaces glutamic acid with alanine at codon 931 of the TSC1 protein (p.Glu931Ala). The glutamic acid residue is moderately conserved and there is a moderate physicochemical difference between glutamic acid and alanine.

NM_000368.5(TSC1):c.2792A>C (p.Glu931Ala)

Gene: TSC1 (TSC complex subunit 1; minus strand). Cytogenetic location: 9q34.13.
Variant type: single nucleotide variant.
Coding change: c.2792A>C on transcript NM_000368.5 (MANE Select); coding-DNA position 2792, A replaced by C.
Protein change: p.Glu931Ala; replaces glutamic acid 931 with alanine.
Molecular consequence: missense variant.
Genome position (GRCh38, 1-based): chr9:132,897,444, T>G on the plus strand (A>C on the coding strand, the complement: TSC1 is on the minus strand). VCF-style: chr9-132897444-T-G. GRCh37 (hg19) VCF-style: chr9-135772831-T-G.
Other names: c.2789A>C, p.Glu930Ala (NM_001162426.2); c.2639A>C, p.Glu880Ala (NM_001162427.2); c.2429A>C, p.Glu810Ala (NM_001362177.2); short protein forms E930A, E931A, E880A, E810A.
Identifiers: ClinVar variation 943768 (VCV000943768.9), dbSNP rs1845137259, ClinGen allele CA375369068.